The following is an entry in ClinVar:

ClinVar aggregate classification (germline): Uncertain significance. Review status: criteria provided, multiple submitters, no conflicts (2 of 4 stars). 2 submissions from 2 submitters: Uncertain significance (2). Last evaluated 2025-12-31.

Conditions:
Early-infantile DEE. Also called: Early infantile epileptic encephalopathy; Ohtahara syndrome; Early infantile epileptic encephalopathy with suppression bursts. Identifiers: Orphanet 1934, MedGen C0393706, MONDO:0800491.

Allele frequency attached by ClinVar (database versions not stated): gnomAD exomes below 0.00001 and 0.00001; TOPMed below 0.00001; ExAC 0.00001; gnomAD 0.00001.
gnomAD v4.1: 7 of 1,613,498 alleles (0.00043%); highest among the groups gnomAD compares: Admixed American, 0.01%; no homozygotes.

Submissions (2):

Labcorp Genetics (formerly Invitae), Labcorp
Classification: Uncertain significance for Early-infantile DEE. Last evaluated: 2025-12-31. Review status: criteria provided, single submitter. Criteria: Invitae Variant Classification Sherloc (09022015). Collection method: clinical testing. Allele origin: germline.
Comment: This sequence change replaces phenylalanine, which is neutral and non-polar, with leucine, which is neutral and non-polar, at codon 801 of the SCN8A protein (p.Phe801Leu). This variant is present in population databases (rs748828215, gnomAD 0.003%). This variant has not been reported in the literature in individuals affected with SCN8A-related conditions. ClinVar contains an entry for this variant (Variation ID: 1416505). Invitae Evidence Modeling of protein sequence and biophysical properties (such as structural, functional, and spatial information, amino acid conservation, physicochemical variation, residue mobility, and thermodynamic stability) indicates that this missense variant is not expected to disrupt SCN8A protein function with a negative predictive value of 95%. In summary, the available evidence is currently insufficient to determine the role of this variant in disease. Therefore, it has been classified as a Variant of Uncertain Significance.

Mayo Clinic Laboratories, Mayo Clinic
Classification: Uncertain significance. Last evaluated: 2022-12-01. Review status: criteria provided, single submitter. Criteria: ACMG Guidelines, 2015. Collection method: clinical testing. Allele origin: germline. Observed: 1 variant allele.

NM_001330260.2(SCN8A):c.2403C>G (p.Phe801Leu)

Gene: SCN8A (sodium voltage-gated channel alpha subunit 8; plus strand). Cytogenetic location: 12q13.13.
Variant type: single nucleotide variant.
Coding change: c.2403C>G on transcript NM_001330260.2 (MANE Select); coding-DNA position 2403, C replaced by G.
Protein change: p.Phe801Leu; replaces phenylalanine 801 with leucine.
Molecular consequence: missense variant.
Genome position (GRCh38, 1-based): chr12:51,762,535, C>G. VCF-style: chr12-51762535-C-G. GRCh37 (hg19) VCF-style: chr12-52156319-C-G.
Other names: p.Phe801Leu; c.2403C>G, p.Phe801Leu (NM_001177984.3, NM_001369788.1, NM_014191.4); short protein forms F801L.
Identifiers: ClinVar variation 1416505 (VCV001416505.8), dbSNP rs748828215, ClinGen allele CA6571475.